The following is an entry in ClinVar:

ClinVar aggregate classification (germline): Uncertain significance (1 of 4 stars; one submission).

Conditions:
Hereditary cancer-predisposing syndrome. Also called: Hereditary neoplastic syndrome; Neoplastic Syndromes, Hereditary; Tumor predisposition; Hereditary Cancer Syndrome. Identifiers: Orphanet 140162, MedGen C0027672, MeSH D009386, MONDO:0015356.

Submission:

Ambry Genetics
Classification: Uncertain significance for Hereditary cancer-predisposing syndrome. Last evaluated: 2024-12-20. Review status: criteria provided, single submitter. Criteria: Ambry Variant Classification Scheme 2023. Collection method: clinical testing. Allele origin: germline.
Comment: The p.G597R variant (also known as c.1789G>A), located in coding exon 6 of the AXIN2 gene, results from a G to A substitution at nucleotide position 1789. The glycine at codon 597 is replaced by arginine, an amino acid with dissimilar properties. This amino acid position is well conserved in available vertebrate species. In addition, this alteration is predicted to be tolerated by in silico analysis. Based on the available evidence, the clinical significance of this variant remains unclear.

NM_004655.4(AXIN2):c.1789G>A (p.Gly597Arg)

Gene: AXIN2 (axin 2; minus strand). Cytogenetic location: 17q24.1.
Variant type: single nucleotide variant.
Coding change: c.1789G>A on transcript NM_004655.4 (MANE Select); coding-DNA position 1789, G replaced by A.
Protein change: p.Gly597Arg; replaces glycine 597 with arginine.
Molecular consequence: missense variant. On other transcripts: intron variant (1).
Genome position (GRCh38, 1-based): chr17:65,536,987, C>T on the plus strand (G>A on the coding strand, the complement: AXIN2 is on the minus strand). VCF-style: chr17-65536987-C-T. GRCh37 (hg19) VCF-style: chr17-63533105-C-T.
Other names: c.1712+337G>A (NM_001363813.1); short protein forms G597R.
Identifiers: ClinVar variation 3814050 (VCV003814050.1).